The following is an entry in ClinVar:

NM_144643.4(SCLT1):c.1436C>A (p.Thr479Asn)

Gene: SCLT1 (sodium channel and clathrin linker 1; minus strand). Cytogenetic location: 4q28.2.
Variant type: single nucleotide variant.
Coding change: c.1436C>A on transcript NM_144643.4 (MANE Select); coding-DNA position 1436, C replaced by A.
Protein change: p.Thr479Asn; replaces threonine 479 with asparagine.
Molecular consequence: missense variant.
Genome position (GRCh38, 1-based): chr4:128,946,010, G>T on the plus strand (C>A on the coding strand, the complement: SCLT1 is on the minus strand). VCF-style: chr4-128946010-G-T. GRCh37 (hg19) VCF-style: chr4-129867165-G-T.
Other names: c.1436C>A, p.Thr479Asn (NM_001410807.1); short protein forms T479N.
Identifiers: ClinVar variation 5002389 (VCV005002389.1).

ClinVar aggregate classification (germline): Uncertain significance (1 of 4 stars; one submission).

Conditions:
SCLT1-related disorder. Also called: SCLT1-related condition.

gnomAD v4.1: 2 of 1,599,078 alleles (0.00013%); highest among the groups gnomAD compares: South Asian, 0.0011%; no homozygotes.

Submission:

PreventionGenetics, part of Exact Sciences
Classification: Uncertain significance for SCLT1-related condition. Last evaluated: 2024-10-24. Review status: criteria provided, single submitter. Criteria: ACMG Guidelines, 2015. Collection method: clinical testing. Allele origin: germline.
Comment: The SCLT1 c.1436C>A variant is predicted to result in the amino acid substitution p.Thr479Asn. To our knowledge, this variant has not been reported in the literature. This variant is reported in 0.0034% of alleles in individuals of South Asian descent in gnomAD. At this time, the clinical significance of this variant is uncertain due to the absence of conclusive functional and genetic evidence.